The following is an entry in ClinVar:

NM_000038.6(APC):c.*1050T>C

Gene: APC (APC regulator of Wnt signaling pathway; plus strand). Cytogenetic location: 5q22.2.
Variant type: single nucleotide variant.
Coding change: c.*1050T>C on transcript NM_000038.6 (MANE Select); 1050 bases downstream of the stop codon, T replaced by C.
Molecular consequence: 3 prime UTR variant.
Genome position (GRCh38, 1-based): chr5:112,845,176, T>C. VCF-style: chr5-112845176-T-C. GRCh37 (hg19) VCF-style: chr5-112180873-T-C.
Other names: c.*1050T>C (NM_001127510.3, NM_001127511.3, NM_001354895.2 and 11 more transcripts).
Identifiers: ClinVar variation 350439 (VCV000350439.5), dbSNP rs17135042, ClinGen allele CA10619888.

ClinVar aggregate classification (germline): Benign (1 of 4 stars; one submission).

Conditions:
APC-Associated Polyposis Disorders.

Allele frequency attached by ClinVar (database versions not stated): gnomAD exomes 0.00379; TOPMed 0.02182; 1000 Genomes Project 0.02376; 1000 Genomes Project 30x 0.02483.

Submission:

Illumina Laboratory Services, Illumina
Classification: Benign for APC-Associated Polyposis Disorders. Last evaluated: 2018-01-12. Review status: criteria provided, single submitter. Criteria: ICSL Variant Classification Criteria 13 December 2019. Collection method: clinical testing. Allele origin: germline.
Comment: This variant was observed in the ICSL laboratory as part of a predisposition screen in an ostensibly healthy population. It had not been previously curated by ICSL or reported in the Human Gene Mutation Database (HGMD: prior to June 1st, 2018), and was therefore a candidate for classification through an automated scoring system. Utilizing variant allele frequency, disease prevalence and penetrance estimates, and inheritance mode, an automated score was calculated to assess if this variant is too frequent to cause the disease. Based on the score and internal cut-off values, a variant classified as benign is not then subjected to further curation. The score for this variant resulted in a classification of benign for this disease.